The following is an entry in ClinVar:

ClinVar aggregate classification (germline): Pathogenic (1 of 4 stars; one submission).

Conditions:
Hereditary diffuse gastric adenocarcinoma (HDGC). Also called: DIFFUSE GASTRIC AND LOBULAR BREAST CANCER SYNDROME. Identifiers: Orphanet 26106, MedGen C1708349, MONDO:0007648, OMIM 137215.

Submission:

Myriad Genetics, Inc.
Classification: Pathogenic for Hereditary diffuse gastric adenocarcinoma. Last evaluated: 2023-04-04. Review status: criteria provided, single submitter. Criteria: Myriad Autosomal Dominant, Autosomal Recessive and X-Linked Classification Criteria (2023). Collection method: clinical testing. Allele origin: unknown.
Comment: This variant is considered pathogenic. This variant creates a frameshift predicted to result in premature protein truncation.

NM_001903.5(CTNNA1):c.1815del (p.Met606fs)

Gene: CTNNA1 (catenin alpha 1; plus strand). Cytogenetic location: 5q31.2.
Variant type: Deletion.
Coding change: c.1815del on transcript NM_001903.5 (MANE Select); coding-DNA position 1815, one base deleted (C; older notation c.1815delC).
Protein change: p.Met606fs; shifts the reading frame from methionine 606.
Molecular consequence: frameshift variant.
Genome position (GRCh38, 1-based): chr5:138,925,323, C deleted; the last of 3 consecutive C bases (chr5:138,925,321-138,925,323); deleting any one gives the same sequence. VCF-style (leftmost placement, unchanged base first): chr5-138925320-GC-G. GRCh37 (hg19) VCF-style: chr5-138261009-GC-G.
Other names: c.1815del, p.Met606fs (NM_001290307.3, NM_001323982.2, NM_001323983.1 and 2 more transcripts); c.1506del, p.Met503fs (NM_001290309.3); c.1446del, p.Met483fs (NM_001290310.3); c.705del, p.Met236fs (NM_001290312.1, NM_001323987.1, NM_001323988.1 and 17 more transcripts); c.1722del, p.Met575fs (NM_001323986.2); c.366del, p.Met123fs (NM_001324006.1, NM_001324007.1, NM_001324008.1 and 2 more transcripts); c.612del, p.Met205fs (NM_001324011.1); c.462del, p.Met155fs (NM_001324012.1, NM_001324013.1); short protein forms M123fs, M155fs, M205fs, M236fs, M483fs, M503fs, M575fs, M606fs.
Identifiers: ClinVar variation 2573260 (VCV002573260.1), dbSNP rs2533734361, ClinGen allele CA2580613674.